The following is an entry in ClinVar:

ClinVar aggregate classification (germline): Conflicting classifications of pathogenicity. Review status: criteria provided, conflicting classifications (1 of 4 stars). 4 submissions from 4 submitters: Uncertain significance (1); Likely benign (3). Last evaluated 2025-11-09.

Conditions:
RPS7-related disorder. Also called: RPS7-related condition.
Diamond-Blackfan anemia 8 (DBA8). Also called: RPS7-Related Diamond-Blackfan Anemia. Identifiers: Orphanet 124, MedGen C2675511, MONDO:0012939, OMIM 612563.

Allele frequency attached by ClinVar (database versions not stated): ExAC 0.00001; gnomAD 0.00001; gnomAD exomes 0.00002 and 0.00003; TOPMed 0.00003.
gnomAD v4.1: 49 of 1,611,318 alleles (0.003%); highest among the groups gnomAD compares: Admixed American, 0.0083%; no homozygotes.

Submissions (4):

Labcorp Genetics (formerly Invitae), Labcorp
Classification: Likely benign for Diamond-Blackfan anemia 8. Last evaluated: 2025-11-09. Review status: criteria provided, single submitter. Criteria: Invitae Variant Classification Sherloc (09022015). Collection method: clinical testing. Allele origin: germline.

PreventionGenetics, part of Exact Sciences
Classification: Likely benign for RPS7-related condition. Last evaluated: 2024-12-03. Review status: criteria provided, single submitter. Criteria: ACMG Guidelines, 2015. Collection method: clinical testing. Allele origin: germline.
Comment: This variant is classified as likely benign based on ACMG/AMP sequence variant interpretation guidelines (Richards et al. 2015 PMID: 25741868, with internal and published modifications).

Blueprint Genetics
Classification: Likely benign. Last evaluated: 2024-10-01. Review status: criteria provided, single submitter. Criteria: ACMG Guidelines, 2015. Collection method: clinical testing. Allele origin: germline.

Fulgent Genetics
Classification: Uncertain significance for Diamond-Blackfan anemia 8. Last evaluated: 2024-02-08. Review status: criteria provided, single submitter. Criteria: ACMG Guidelines, 2015. Collection method: clinical testing. Allele origin: germline.

NM_001011.4(RPS7):c.39C>T (p.Gly13=)

Gene: RPS7 (ribosomal protein S7; plus strand). Cytogenetic location: 2p25.3.
Variant type: single nucleotide variant.
Coding change: c.39C>T on transcript NM_001011.4 (MANE Select); coding-DNA position 39, C replaced by T.
Protein change: p.Gly13=; no amino-acid change (glycine 13 retained).
Molecular consequence: synonymous variant.
Genome position (GRCh38, 1-based): chr2:3,575,648, C>T. VCF-style: chr2-3575648-C-T. GRCh37 (hg19) VCF-style: chr2-3623238-C-T.
Other names: c.39C>T, p.Gly13= (LRG_1148t1).
Identifiers: ClinVar variation 335902 (VCV000335902.18), dbSNP rs746686516, ClinGen allele CA1516521.